The following is an entry in ClinVar:

NM_182914.3(SYNE2):c.6994A>G (p.Ile2332Val)

Gene: SYNE2 (spectrin repeat containing nuclear envelope protein 2; plus strand). Cytogenetic location: 14q23.2.
Variant type: single nucleotide variant.
Coding change: c.6994A>G on transcript NM_182914.3 (MANE Select); coding-DNA position 6994, A replaced by G.
Protein change: p.Ile2332Val; replaces isoleucine 2332 with valine.
Molecular consequence: missense variant.
Genome position (GRCh38, 1-based): chr14:64,031,130, A>G. VCF-style: chr14-64031130-A-G. GRCh37 (hg19) VCF-style: chr14-64497848-A-G.
Other names: c.6994A>G, p.Ile2332Val (NM_015180.6); c.6994A>G (NM_182914.2); short protein forms I2332V.
Identifiers: ClinVar variation 1426463 (VCV001426463.7), dbSNP rs372848337, ClinGen allele CA7220835.
Genomic context (GRCh38, chr14:64,031,130, plus strand): 5'-TTAGCAAAATCCGTCAAGCAAAATACATCTTCAGTGGGGCAGAAGATTATTAAAGATGAT[A>G]TAAAATCACTTCAGTGTAAACAAAAAGATTTGGAAAACAGGCTTGCATCTGCTAAGCAGG-3'
Protein context (NP_878918.2, residues 2322-2342): SVGQKIIKDD[Ile2332Val]KSLQCKQKDL

ClinVar aggregate classification (germline): Uncertain significance. Review status: criteria provided, multiple submitters, no conflicts (2 of 4 stars). 2 submissions from 2 submitters: Uncertain significance (2). Last evaluated 2025-08-29.

Conditions:
Emery-Dreifuss muscular dystrophy 5, autosomal dominant (EDMD5). Also called: EMERY-DREIFUSS MUSCULAR DYSTROPHY 5. Identifiers: Orphanet 261, MedGen C2751805, MONDO:0013072, OMIM 612999.

Allele frequency attached by ClinVar (database versions not stated): gnomAD 0.00001 and 0.00002; gnomAD exomes 0.00001; TOPMed 0.00001; ExAC 0.00002; ESP Exome Variant Server 0.00008.
gnomAD v4.1: 12 of 1,614,072 alleles (0.00074%); highest among the groups gnomAD compares: Admixed American, 0.0017%; no homozygotes.

Submissions (2):

Ambry Genetics
Classification: Uncertain significance. Last evaluated: 2025-08-29. Review status: criteria provided, single submitter. Criteria: Ambry Variant Classification Scheme 2023. Collection method: clinical testing. Allele origin: germline.

Labcorp Genetics (formerly Invitae), Labcorp
Classification: Uncertain significance for Emery-Dreifuss muscular dystrophy 5, autosomal dominant. Last evaluated: 2022-06-20. Review status: criteria provided, single submitter. Criteria: Invitae Variant Classification Sherloc (09022015). Collection method: clinical testing. Allele origin: germline.
Comment: In summary, the available evidence is currently insufficient to determine the role of this variant in disease. Therefore, it has been classified as a Variant of Uncertain Significance. Algorithms developed to predict the effect of missense changes on protein structure and function output the following: SIFT: "Tolerated"; PolyPhen-2: "Benign"; Align-GVGD: "Class C0". The valine amino acid residue is found in multiple mammalian species, which suggests that this missense change does not adversely affect protein function. This variant has not been reported in the literature in individuals affected with SYNE2-related conditions. This variant is present in population databases (rs372848337, gnomAD 0.003%). This sequence change replaces isoleucine, which is neutral and non-polar, with valine, which is neutral and non-polar, at codon 2332 of the SYNE2 protein (p.Ile2332Val).